The following is an entry in ClinVar:

NM_001372044.2(SHANK3):c.4647G>A (p.Trp1549Ter)

Gene: SHANK3 (SH3 and multiple ankyrin repeat domains 3; plus strand). Cytogenetic location: 22q13.33.
Variant type: single nucleotide variant.
Coding change: c.4647G>A on transcript NM_001372044.2 (MANE Select); coding-DNA position 4647, G replaced by A.
Protein change: p.Trp1549Ter; replaces tryptophan 1549 with a stop codon.
Molecular consequence: nonsense.
Genome position (GRCh38, 1-based): chr22:50,722,255, G>A. VCF-style: chr22-50722255-G-A. GRCh37 (hg19) VCF-style: chr22-51160683-G-A.
Other names: short protein forms W1549*.
Identifiers: ClinVar variation 1675899 (VCV001675899.33), dbSNP rs2146833570, ClinGen allele CA515264915.

ClinVar aggregate classification (germline): Pathogenic (1 of 4 stars; one submission).

Submission:

CeGaT Center for Human Genetics Tuebingen
Classification: Pathogenic. Last evaluated: 2022-03-01. Review status: criteria provided, single submitter. Criteria: CeGaT Center For Human Genetics Tuebingen Variant Classification Criteria Version 2. Collection method: clinical testing. Allele origin: germline. Affected: yes. Observed: 1 variant allele.
Comment: SHANK3: PVS1, PM2, PS2:Moderate